The following is an entry in ClinVar:

ClinVar aggregate classification (germline): Uncertain significance (1 of 4 stars; one submission).

Allele frequency attached by ClinVar (database versions not stated): gnomAD 0.00003; TOPMed 0.00004; ExAC 0.00006; gnomAD exomes 0.00007; ESP Exome Variant Server 0.00023.
gnomAD v4.1: 108 of 1,613,632 alleles (0.0067%); highest among the groups gnomAD compares: Non-Finnish European, 0.0082%; no homozygotes.

Submission:

Labcorp Genetics (formerly Invitae), Labcorp
Classification: Uncertain significance. Last evaluated: 2025-11-26. Review status: criteria provided, single submitter. Criteria: Invitae Variant Classification Sherloc (09022015). Collection method: clinical testing. Allele origin: germline.
Comment: This sequence change replaces threonine, which is neutral and polar, with methionine, which is neutral and non-polar, at codon 136 of the KLF11 protein (p.Thr136Met). This variant is present in population databases (rs139111425, gnomAD 0.01%). This variant has not been reported in the literature in individuals affected with KLF11-related conditions. ClinVar contains an entry for this variant (Variation ID: 1988860). An algorithm developed to predict the effect of missense changes on protein structure and function outputs the following: PolyPhen-2: "Benign". The methionine amino acid residue is found in multiple mammalian species, which suggests that this missense change does not adversely affect protein function. In summary, the available evidence is currently insufficient to determine the role of this variant in disease. Therefore, it has been classified as a Variant of Uncertain Significance.

NM_003597.5(KLF11):c.407C>T (p.Thr136Met)

Gene: KLF11 (KLF transcription factor 11; plus strand). Cytogenetic location: 2p25.1.
Variant type: single nucleotide variant.
Coding change: c.407C>T on transcript NM_003597.5 (MANE Select); coding-DNA position 407, C replaced by T.
Protein change: p.Thr136Met; replaces threonine 136 with methionine.
Molecular consequence: missense variant.
Genome position (GRCh38, 1-based): chr2:10,047,744, C>T. VCF-style: chr2-10047744-C-T. GRCh37 (hg19) VCF-style: chr2-10187871-C-T.
Other names: c.356C>T, p.Thr119Met (NM_001177716.2, NM_001177718.2); short protein forms T136M, T119M.
Identifiers: ClinVar variation 1988860 (VCV001988860.4), dbSNP rs139111425, ClinGen allele CA1525503.